The following is an entry in ClinVar:

ClinVar aggregate classification (germline): Uncertain significance. Review status: criteria provided, multiple submitters, no conflicts (2 of 4 stars). 2 submissions from 2 submitters: Uncertain significance (2). Last evaluated 2024-11-28.

Conditions:
Colorectal cancer, hereditary nonpolyposis, type 7. Identifiers: Orphanet 144, MedGen C1858380, MONDO:0013725, OMIM 614385.

Allele frequency attached by ClinVar (database versions not stated): gnomAD exomes 0.00001; TOPMed 0.00001; gnomAD below 0.00001.

Submissions (2):

Ambry Genetics
Classification: Uncertain significance. Last evaluated: 2024-11-28. Review status: criteria provided, single submitter. Criteria: Ambry Variant Classification Scheme 2023. Collection method: clinical testing. Allele origin: germline.
Comment: The p.V69A variant (also known as c.206T>C), located in coding exon 1 of the MLH3 gene, results from a T to C substitution at nucleotide position 206. The valine at codon 69 is replaced by alanine, an amino acid with similar properties. This amino acid position is conserved. In addition, this alteration is predicted to be tolerated by in silico analysis. Based on the available evidence, the clinical significance of this variant remains unclear.

Illumina Laboratory Services, Illumina
Classification: Uncertain significance for Colorectal cancer, hereditary nonpolyposis, type 7. Last evaluated: 2018-01-13. Review status: criteria provided, single submitter. Criteria: ICSL Variant Classification Criteria 13 December 2019. Collection method: clinical testing. Allele origin: germline.

NM_001040108.2(MLH3):c.206T>C (p.Val69Ala)

Gene: MLH3 (mutL homolog 3; minus strand). Cytogenetic location: 14q24.3.
Variant type: single nucleotide variant.
Coding change: c.206T>C on transcript NM_001040108.2 (MANE Select); coding-DNA position 206, T replaced by C.
Protein change: p.Val69Ala; replaces valine 69 with alanine.
Molecular consequence: missense variant.
Genome position (GRCh38, 1-based): chr14:75,049,450, A>G on the plus strand (T>C on the coding strand, the complement: MLH3 is on the minus strand). VCF-style: chr14-75049450-A-G. GRCh37 (hg19) VCF-style: chr14-75516153-A-G.
Other names: c.206T>C, p.Val69Ala (NM_014381.3); short protein forms V69A.
Identifiers: ClinVar variation 314392 (VCV000314392.6), dbSNP rs886050779, ClinGen allele CA10644939.